The following is an entry in ClinVar:

NM_133259.4(LRPPRC):c.140C>G (p.Pro47Arg)

Gene: LRPPRC (leucine rich pentatricopeptide repeat containing; minus strand). Cytogenetic location: 2p21.
Variant type: single nucleotide variant.
Coding change: c.140C>G on transcript NM_133259.4 (MANE Select); coding-DNA position 140, C replaced by G.
Protein change: p.Pro47Arg; replaces proline 47 with arginine.
Molecular consequence: missense variant.
Genome position (GRCh38, 1-based): chr2:43,995,808, G>C on the plus strand (C>G on the coding strand, the complement: LRPPRC is on the minus strand). VCF-style: chr2-43995808-G-C. GRCh37 (hg19) VCF-style: chr2-44222947-G-C.
Other names: short protein forms P47R.
Identifiers: ClinVar variation 1708002 (VCV001708002.8), dbSNP rs1181025829, ClinGen allele CA346678961.

ClinVar aggregate classification (germline): Uncertain significance. Review status: criteria provided, multiple submitters, no conflicts (2 of 4 stars). 3 submissions from 3 submitters: Uncertain significance (3). Last evaluated 2026-01-19.

Conditions:
Inborn genetic diseases. Identifiers: MedGen C0950123, MeSH D030342.

Allele frequency attached by ClinVar (database versions not stated): gnomAD exomes 0.00002; gnomAD 0.00012; TOPMed 0.00016.
gnomAD v4.1: 45 of 1,403,512 alleles (0.0032%); highest among the groups gnomAD compares: Admixed American, 0.052%; no homozygotes.

Submissions (3):

Labcorp Genetics (formerly Invitae), Labcorp
Classification: Uncertain significance. Last evaluated: 2026-01-19. Review status: criteria provided, single submitter. Criteria: Invitae Variant Classification Sherloc (09022015). Collection method: clinical testing. Allele origin: germline.
Comment: This sequence change replaces proline, which is neutral and non-polar, with arginine, which is basic and polar, at codon 47 of the LRPPRC protein (p.Pro47Arg). The frequency data for this variant in the population databases is considered unreliable, as metrics indicate poor data quality at this position in the gnomAD database. This variant has not been reported in the literature in individuals affected with LRPPRC-related conditions. ClinVar contains an entry for this variant (Variation ID: 1708002). An algorithm developed to predict the effect of missense changes on protein structure and function outputs the following: PolyPhen-2: "Benign". The arginine amino acid residue is found in multiple mammalian species, which suggests that this missense change does not adversely affect protein function. In summary, the available evidence is currently insufficient to determine the role of this variant in disease. Therefore, it has been classified as a Variant of Uncertain Significance.

Ambry Genetics
Classification: Uncertain significance for Inborn genetic diseases. Last evaluated: 2024-03-08. Review status: criteria provided, single submitter. Criteria: Ambry Variant Classification Scheme 2023. Collection method: clinical testing. Allele origin: germline.

GeneDx
Classification: Uncertain significance. Last evaluated: 2022-09-30. Review status: criteria provided, single submitter. Criteria: GeneDx Variant Classification Process June 2021. Collection method: clinical testing. Allele origin: germline. Affected: yes.
Comment: Not observed at significant frequency in large population cohorts (gnomAD); In silico analysis supports that this missense variant has a deleterious effect on protein structure/function; Has not been previously published as pathogenic or benign to our knowledge